The following is an entry in ClinVar:

ClinVar aggregate classification (germline): Uncertain significance. Review status: criteria provided, multiple submitters, no conflicts (2 of 4 stars). 2 submissions from 2 submitters: Uncertain significance (2). Last evaluated 2024-09-25.

Conditions:
Pseudo-Hurler polydystrophy. Also called: MUCOLIPIDOSIS IIIA; ML III; ML III ALPHA/BETA; Type III Mucolipidosis; ML IIIA; Mucolipidosis III Alpha/Beta. Identifiers: Orphanet 423461, Orphanet 577, MedGen C0033788, MONDO:0018931, OMIM 252600.
Mucolipidosis type II. Also called: Mucolipidosis II Alpha/Beta; ML II ALPHA/BETA; Mucolipidosis 2; ML 2; Inclusion cell disease; Leroy Disease. Identifiers: Orphanet 576, MedGen C2673377, MONDO:0009650, OMIM 252500.
Inborn genetic diseases. Identifiers: MedGen C0950123, MeSH D030342.

Allele frequency attached by ClinVar (database versions not stated): gnomAD exomes below 0.00001; gnomAD 0.00007; ESP Exome Variant Server 0.00015; ExAC 0.00002; TOPMed 0.00006.
gnomAD v4.1: 11 of 1,614,032 alleles (0.00068%); highest among the groups gnomAD compares: African/African-American, 0.015%; no homozygotes.

Submissions (2):

Ambry Genetics
Classification: Uncertain significance for Inborn genetic diseases. Last evaluated: 2024-09-25. Review status: criteria provided, single submitter. Criteria: Ambry Variant Classification Scheme 2023. Collection method: clinical testing. Allele origin: germline.

Labcorp Genetics (formerly Invitae), Labcorp
Classification: Uncertain significance for Pseudo-Hurler polydystrophy; Mucolipidosis type II. Last evaluated: 2021-12-22. Review status: criteria provided, single submitter. Criteria: Invitae Variant Classification Sherloc (09022015). Collection method: clinical testing. Allele origin: germline.
Comment: This sequence change replaces serine, which is neutral and polar, with glycine, which is neutral and non-polar, at codon 604 of the GNPTAB protein (p.Ser604Gly). This variant is present in population databases (rs370927635, gnomAD 0.02%). This variant has not been reported in the literature in individuals affected with GNPTAB-related conditions. Advanced modeling of protein sequence and biophysical properties (such as structural, functional, and spatial information, amino acid conservation, physicochemical variation, residue mobility, and thermodynamic stability) performed at Invitae indicates that this missense variant is not expected to disrupt GNPTAB protein function. In summary, the available evidence is currently insufficient to determine the role of this variant in disease. Therefore, it has been classified as a Variant of Uncertain Significance.

NM_024312.5(GNPTAB):c.1810A>G (p.Ser604Gly)

Gene: GNPTAB (N-acetylglucosamine-1-phosphate transferase subunits alpha and beta; minus strand). Cytogenetic location: 12q23.2.
Variant type: single nucleotide variant.
Coding change: c.1810A>G on transcript NM_024312.5 (MANE Select); coding-DNA position 1810, A replaced by G.
Protein change: p.Ser604Gly; replaces serine 604 with glycine.
Molecular consequence: missense variant.
Genome position (GRCh38, 1-based): chr12:101,765,107, T>C on the plus strand (A>G on the coding strand, the complement: GNPTAB is on the minus strand). VCF-style: chr12-101765107-T-C. GRCh37 (hg19) VCF-style: chr12-102158885-T-C.
Other names: c.1810A>G (NM_024312.4); short protein forms S604G.
Identifiers: ClinVar variation 2065822 (VCV002065822.2), dbSNP rs370927635, ClinGen allele CA6746525.